The following is an entry in ClinVar:

NM_001111067.4(ACVR1):c.983G>T (p.Gly328Val)

Gene: ACVR1 (activin A receptor type 1; minus strand). Cytogenetic location: 2q24.1.
Variant type: single nucleotide variant.
Coding change: c.983G>T on transcript NM_001111067.4 (MANE Select); coding-DNA position 983, G replaced by T.
Protein change: p.Gly328Val; replaces glycine 328 with valine.
Molecular consequence: missense variant.
Genome position (GRCh38, 1-based): chr2:157,766,004, C>A on the plus strand (G>T on the coding strand, the complement: ACVR1 is on the minus strand). VCF-style: chr2-157766004-C-A. GRCh37 (hg19) VCF-style: chr2-158622516-C-A.
Other names: c.983G>T, p.Gly328Val (NM_001105.5, NM_001347663.1, NM_001347664.1 and 3 more transcripts); short protein forms G328V.
Identifiers: ClinVar variation 376363 (VCV000376363.5), dbSNP rs387906589, ClinGen allele CA16602802.

ClinVar aggregate classification (somatic clinical impact): Tier I - Strong. Review status: criteria provided, multiple submitters. 3 submissions from 2 submitters. 2 of the submissions do not count toward it. Last evaluated 2025-06-19.

Conditions:
Embryonal rhabdomyosarcoma (ERMS). Also called: Botryoid rhabdomyosarcoma (type of ERMS); Spindle cell rhabdomyosarcomas (type of ERMS). Identifiers: Orphanet 99757, MedGen C0206656, MONDO:0009993, HP:0006743.
Diffuse midline glioma, H3 K27M-mutant. Identifiers: MedGen C4289688, MONDO:0957196.

Submissions (3):

Institute for Genomic Medicine (IGM) Clinical Laboratory, Nationwide Children's Hospital
Classification: Tier I - Strong for Diffuse midline glioma, H3 K27M-mutant. Assertion type: diagnostic. Clinical significance: supports diagnosis. Last evaluated: 2025-06-19. Review status: criteria provided, single submitter. Criteria: AMP/ASCO/CAP Guidelines, 2017. Collection method: clinical testing. Allele origin: somatic. Affected: yes.
Comment: Variant has Tier I (strong) clinical significance as a diagnostic inclusion criterion in diffuse midline glioma, H3 K27M-mutant, based on the following evidence: 1) Documented in one or more cancer databases (e.g., St. Jude Pecan, COSMIC, CIViC, OncoKB). 2) Appears in one or more well-established professional guidelines (e.g., World Health Organization [WHO]; National Comprehensive Cancer Network [NCCN]) as providing diagnostic, prognostic, or therapeutic information. 3) Information in the literature supports potential biologic effect of variant (PMIDs: 24705254, 24705250). 4) Diagnostic for a specific tumor type/classification based on well-powered studies with expert-level consensus (Evidence Level B; PMIDs: 28966033, 24705252, 24705254, 24705250, 26727948, 27048880, 29967352).

Institute for Genomic Medicine (IGM) Clinical Laboratory, Nationwide Children's Hospital
Classification: Tier II - Potential for Embryonal rhabdomyosarcoma. Assertion type: diagnostic. Clinical significance: supports diagnosis. Last evaluated: 2024-08-08. Review status: criteria provided, single submitter. Criteria: AMP/ASCO/CAP Guidelines, 2017. Collection method: clinical testing. Allele origin: somatic. Affected: yes. Not counted in ClinVar's aggregate classification.
Comment: Variant has Tier II (potential) clinical significance as a diagnostic inclusion criterion in embryonal rhabdomyosarcoma, based on the following evidence: 1) Documented in one or more cancer databases (e.g., St. Jude Pecan, COSMIC, CIViC, OncoKB). 2) Information in the literature supports potential biologic effect of variant (PMIDs: 24705250, 24705254, 32273545). 3) Diagnostic significance based on multiple small studies (Evidence Level C; PMIDs: 24705252, 24705254, 32273545).

CIViC Knowledgebase, Washington University School of Medicine
Classification: Tier II - Potential for Diffuse Midline Glioma, H3 K27M-mutant. Assertion type: diagnostic. Clinical significance: supports diagnosis. Last evaluated: 2018-10-16. Review status: criteria provided, single submitter. Criteria: AMP/ASCO/CAP Guidelines, 2017. Collection method: curation. Allele origin: somatic. Affected: yes. Not counted in ClinVar's aggregate classification.
Comment: Supports diagnosis of diffuse intrinsic pontine glioma. ACVR1 G328V mutations occur within the kinase domain, leading to activation of downstream signaling. Exclusively seen in high-grade pediatric gliomas, supporting diagnosis of diffuse intrinsic pontine glioma.

Literature cited by the submitters: PubMed 24705254 (cited by Institute for Genomic Medicine (IGM) Clinical Laboratory, Nationwide Children's Hospital and CIViC Knowledgebase, Washington University School of Medicine); PubMed 24705250 (cited by Institute for Genomic Medicine (IGM) Clinical Laboratory, Nationwide Children's Hospital and CIViC Knowledgebase, Washington University School of Medicine); PubMed 28966033 (cited by Institute for Genomic Medicine (IGM) Clinical Laboratory, Nationwide Children's Hospital); PubMed 24705252 (cited by Institute for Genomic Medicine (IGM) Clinical Laboratory, Nationwide Children's Hospital); PubMed 26727948 (cited by Institute for Genomic Medicine (IGM) Clinical Laboratory, Nationwide Children's Hospital); PubMed 27048880 (cited by Institute for Genomic Medicine (IGM) Clinical Laboratory, Nationwide Children's Hospital); PubMed 29967352 (cited by Institute for Genomic Medicine (IGM) Clinical Laboratory, Nationwide Children's Hospital); PubMed 32273545 (cited by Institute for Genomic Medicine (IGM) Clinical Laboratory, Nationwide Children's Hospital).